The following is an entry in ClinVar:

NM_022726.4(ELOVL4):c.504G>C (p.Leu168Phe)

Gene: ELOVL4 (ELOVL fatty acid elongase 4; minus strand). Cytogenetic location: 6q14.1.
Variant type: single nucleotide variant.
Coding change: c.504G>C on transcript NM_022726.4 (MANE Select); coding-DNA position 504, G replaced by C.
Protein change: p.Leu168Phe; replaces leucine 168 with phenylalanine.
Molecular consequence: missense variant.
Genome position (GRCh38, 1-based): chr6:79,921,662, C>G on the plus strand (G>C on the coding strand, the complement: ELOVL4 is on the minus strand). VCF-style: chr6-79921662-C-G. GRCh37 (hg19) VCF-style: chr6-80631379-C-G.
Other names: short protein forms L168F.
Identifiers: ClinVar variation 143056 (VCV000143056.3), dbSNP rs587777598, ClinGen allele CA170078.

ClinVar aggregate classification (germline): Pathogenic. Review status: criteria provided, multiple submitters, no conflicts (2 of 4 stars). 3 submissions from 3 submitters: Pathogenic (2). 1 of the submissions does not count toward it. Last evaluated 2023-11-21.

Conditions:
ELOVL4-related disorder. Also called: ELOVL4-related condition; ELOVL4-related disorders.
Ichthyosis, spastic quadriplegia, and impaired intellectual development. Also called: Congenital ichthyosis-intellectual disability-spastic quadriplegia syndrome. Identifiers: Orphanet 352333, MedGen C3280856, MONDO:0013760, OMIM 614457.
Stargardt disease 3. Also called: MACULAR DYSTROPHY WITH FLECKS, TYPE 3; STARGARDT-LIKE MACULAR DYSTROPHY, AUTOSOMAL DOMINANT. Identifiers: Orphanet 827, MedGen C1838644, MONDO:0010819, OMIM 600110.
Spinocerebellar ataxia type 34 (SCA34). Identifiers: Orphanet 1955, MedGen C1851481, MONDO:0007574, OMIM 133190.

Submissions (3):

Women's Health and Genetics/Laboratory Corporation of America, LabCorp
Classification: Pathogenic for ELOVL4-Related Disorders. Last evaluated: 2023-11-21. Review status: criteria provided, single submitter. Criteria: LabCorp Variant Classification Summary - May 2015. Collection method: clinical testing. Allele origin: germline.
Comment: Variant summary: ELOVL4 c.504G>C (p.Leu168Phe) results in a non-conservative amino acid change located in the third transmembrane domain (Cadieux-Dion_214) of the encoded protein sequence. Three of five in-silico tools predict a damaging effect of the variant on protein function. The variant was absent in 251400 control chromosomes. c.504G>C has been reported in the literature as segregating with disease in multiple individuals from a large French Canadian family affected with features of ELOVL4-Related Disorder presenting as Autosomal Dominant Spinocerebellar Ataxia and Erythrokeratodermia (Cadieux-Dion_2014 overlapping with Beaudin_2020). These data indicate that the variant is very likely to be associated with disease. One publication reports experimental evidence evaluating an impact on protein function demonstrated mislocalization of the ELOVL4 protein in dermal fibroblasts from affected individuals (Beaudin_2020). The following publications have been ascertained in the context of this evaluation (PMID: 32211516, 24566826). One submitter has cited clinical-significance assessments for this variant to ClinVar after 2014 and has classified the variant as pathogenic. Based on the evidence outlined above, the variant was classified as pathogenic.

Fulgent Genetics
Classification: Pathogenic for Spinocerebellar ataxia type 34; Stargardt disease 3; Ichthyosis, spastic quadriplegia, and impaired intellectual development. Last evaluated: 2021-09-17. Review status: criteria provided, single submitter. Criteria: ACMG Guidelines, 2015. Collection method: clinical testing. Allele origin: unknown.

OMIM
Classification: Pathogenic for SPINOCEREBELLAR ATAXIA 34. Last evaluated: 2014-04-01. Review status: no assertion criteria provided. Collection method: literature only. Allele origin: germline. Not counted in ClinVar's aggregate classification.

Literature cited by the submitters: PubMed 32211516 (cited by Women's Health and Genetics/Laboratory Corporation of America, LabCorp); PubMed 24566826 (cited by Women's Health and Genetics/Laboratory Corporation of America, LabCorp and OMIM); PubMed 5048218 (cited by OMIM).